The following is an entry in ClinVar:

NM_012079.6(DGAT1):c.1183C>T (p.Arg395Ter)

Gene: DGAT1 (diacylglycerol O-acyltransferase 1; minus strand). Cytogenetic location: 8q24.3.
Variant type: single nucleotide variant.
Coding change: c.1183C>T on transcript NM_012079.6 (MANE Select); coding-DNA position 1183, C replaced by T.
Protein change: p.Arg395Ter; replaces arginine 395 with a stop codon.
Molecular consequence: nonsense.
Genome position (GRCh38, 1-based): chr8:144,317,087, G>A on the plus strand (C>T on the coding strand, the complement: DGAT1 is on the minus strand). VCF-style: chr8-144317087-G-A. GRCh37 (hg19) VCF-style: chr8-145540750-G-A.
Other names: c.1183C>T (NM_012079.5); short protein forms R395*.
Identifiers: ClinVar variation 1685693 (VCV001685693.8), dbSNP rs372817613, ClinGen allele CA4936634.

ClinVar aggregate classification (germline): Pathogenic/Likely pathogenic. Review status: criteria provided, multiple submitters, no conflicts (2 of 4 stars). 6 submissions from 6 submitters: Pathogenic (4); Likely pathogenic (2). Last evaluated 2026-01-20.

Conditions:
Congenital diarrhea 7 with exudative enteropathy. Also called: Diarrhea 7. Identifiers: Orphanet 329242, MedGen C4014516, MONDO:0014375, OMIM 615863.
DGAT1-related disorder. Also called: DGAT1-related condition.

Allele frequency attached by ClinVar (database versions not stated): ExAC 0.00001; gnomAD 0.00002; TOPMed 0.00002; gnomAD exomes 0.00003 and 0.00005; ESP Exome Variant Server 0.00023.

Submissions (6):

Labcorp Genetics (formerly Invitae), Labcorp
Classification: Pathogenic. Last evaluated: 2026-01-20. Review status: criteria provided, single submitter. Criteria: Invitae Variant Classification Sherloc (09022015). Collection method: clinical testing. Allele origin: germline.
Comment: This sequence change creates a premature translational stop signal (p.Arg395*) in the DGAT1 gene. It is expected to result in an absent or disrupted protein product. Loss-of-function variants in DGAT1 are known to be pathogenic (PMID: 29604290). This variant is present in population databases (rs372817613, gnomAD 0.004%). This variant has not been reported in the literature in individuals affected with DGAT1-related conditions. ClinVar contains an entry for this variant (Variation ID: 1685693). For these reasons, this variant has been classified as Pathogenic.

PreventionGenetics, part of Exact Sciences
Classification: Likely pathogenic for DGAT1-related condition. Last evaluated: 2025-09-20. Review status: criteria provided, single submitter. Criteria: ACMG Guidelines, 2015. Collection method: clinical testing. Allele origin: germline.
Comment: The DGAT1 c.1183C>T variant is predicted to result in premature protein termination (p.Arg395*). To our knowledge, this variant has not been reported in the literature. This variant is reported in 0.0040% of alleles in individuals of African descent in gnomAD. Nonsense variants in DGAT1 are expected to be pathogenic. This variant is interpreted as likely pathogenic.

Fulgent Genetics
Classification: Likely pathogenic for Congenital diarrhea 7 with exudative enteropathy. Last evaluated: 2024-04-19. Review status: criteria provided, single submitter. Criteria: ACMG Guidelines, 2015. Collection method: clinical testing. Allele origin: germline.

3billion
Classification: Pathogenic for Congenital diarrhea 7 with exudative enteropathy. Last evaluated: 2024-03-07. Review status: criteria provided, single submitter. Criteria: ACMG Guidelines, 2015. Collection method: clinical testing. Allele origin: germline. Affected: yes.
Comment: The variant is observed at an extremely low frequency in the gnomAD v2.1.1 dataset (total allele frequency: 0.003%). Predicted Consequence/Location: Stop-gained (nonsense): predicted to result in a loss or disruption of normal protein function through nonsense-mediated decay (NMD) or protein truncation. Multiple pathogenic variants are reported downstream of the variant. The variant has been reported to be associated with DGAT1-related disorder (ClinVar ID: VCV001685693). Therefore, this variant is classified as Pathogenic according to the recommendation of ACMG/AMP guideline.

Baylor Genetics
Classification: Pathogenic for Congenital diarrhea 7 with exudative enteropathy. Last evaluated: 2023-12-06. Review status: criteria provided, single submitter. Criteria: ACMG Guidelines, 2015. Collection method: clinical testing. Allele origin: unknown.

Mendelics
Classification: Pathogenic for Congenital diarrhea 7 with exudative enteropathy. Last evaluated: 2022-05-04. Review status: criteria provided, single submitter. Criteria: Mendelics Assertion Criteria 2019. Collection method: clinical testing. Allele origin: germline.

Literature cited by the submitters: PubMed 29604290 (cited by Labcorp Genetics (formerly Invitae), Labcorp).